The following is an entry in ClinVar:

NM_001376.5(DYNC1H1):c.13556C>T (p.Ala4519Val)

Gene: DYNC1H1 (dynein cytoplasmic 1 heavy chain 1; plus strand). Cytogenetic location: 14q32.31.
Variant type: single nucleotide variant.
Coding change: c.13556C>T on transcript NM_001376.5 (MANE Select); coding-DNA position 13556, C replaced by T.
Protein change: p.Ala4519Val; replaces alanine 4519 with valine.
Molecular consequence: missense variant.
Genome position (GRCh38, 1-based): chr14:102,049,754, C>T. VCF-style: chr14-102049754-C-T. GRCh37 (hg19) VCF-style: chr14-102516091-C-T.
Other names: short protein forms A4519V.
Identifiers: ClinVar variation 4293831 (VCV004293831.2).

ClinVar aggregate classification (germline): Likely pathogenic. Review status: criteria provided, multiple submitters, no conflicts (2 of 4 stars). 2 submissions from 2 submitters: Likely pathogenic (2). Last evaluated 2024-08-06.

Conditions:
DYNC1H1-related disorder. Also called: DYNC1H1-related condition; DYNC1H1-related disorders. Identifiers: MedGen CN381529.

Submissions (2):

3billion
Classification: Likely pathogenic for DYNC1H1-related disorder. Last evaluated: 2024-08-06. Review status: criteria provided, single submitter. Criteria: ACMG Guidelines, 2015. Collection method: clinical testing. Allele origin: germline. Affected: yes.
Comment: The variant is not observed in the gnomAD v4.0.0 dataset. Predicted Consequence/Location: Missense changes are a common disease-causing mechanism. In silico tool predictions suggest damaging effect of the variant on gene or gene product [REVEL: 0.61 (>=0.6, sensitivity 0.68 and specificity 0.92)]. The same nucleotide change resulting in the same amino acid change has been previously reported to be associated with DYNC1H1 related disorder (PMID: 32005694).The variant has been previously reported as assumed (i.e. paternity and maternity not confirmed) de novo in at least one similarly affected unrelated individual (PMID: 32005694). Therefore, this variant is classified as Likely pathogenic according to the recommendation of ACMG/AMP guideline.

Blueprint Genetics
Classification: Likely pathogenic for DYNC1H1-related disorders. Last evaluated: 2024-06-19. Review status: criteria provided, single submitter. Criteria: ACMG Guidelines, 2015. Collection method: clinical testing. Allele origin: germline. Affected: yes. Observed: 1 variant allele.

Literature cited by the submitters: PubMed 32005694 (cited by 3billion).